The following is an entry in ClinVar:

NM_001354604.2(MITF):c.1405C>G (p.Gln469Glu)

Gene: MITF (melanocyte inducing transcription factor; plus strand). Cytogenetic location: 3p13.
Variant type: single nucleotide variant.
Coding change: c.1405C>G on transcript NM_001354604.2 (MANE Select); coding-DNA position 1405, C replaced by G.
Protein change: p.Gln469Glu; replaces glutamine 469 with glutamic acid.
Molecular consequence: missense variant.
Genome position (GRCh38, 1-based): chr3:69,965,072, C>G. VCF-style: chr3-69965072-C-G. GRCh37 (hg19) VCF-style: chr3-70014223-C-G.
Other names: c.1231C>G, p.Gln411Glu (NM_001184967.2, NM_001354608.2); c.1402C>G, p.Gln468Glu (NM_001354605.2); c.1384C>G, p.Gln462Glu (NM_001354606.2, NM_006722.3); c.1336C>G, p.Gln446Glu (NM_001354607.2); c.1066C>G, p.Gln356Glu (NM_198158.3); c.1387C>G, p.Gln463Glu (NM_198159.3); c.1339C>G, p.Gln447Glu (NM_198177.3); c.898C>G, p.Gln300Glu (NM_198178.3); and 1 more; short protein forms Q463E, Q411E, Q462E, Q468E, Q356E, Q362E, Q447E, Q469E.
Identifiers: ClinVar variation 4055187 (VCV004055187.1).

ClinVar aggregate classification (germline): Uncertain significance (1 of 4 stars; one submission).

Conditions:
Hereditary cancer-predisposing syndrome. Also called: Neoplastic Syndromes, Hereditary; Tumor predisposition; Hereditary neoplastic syndrome; Hereditary Cancer Syndrome. Identifiers: Orphanet 140162, MedGen C0027672, MeSH D009386, MONDO:0015356.

Submission:

Ambry Genetics
Classification: Uncertain significance for Hereditary cancer-predisposing syndrome. Last evaluated: 2025-04-08. Review status: criteria provided, single submitter. Criteria: Ambry Variant Classification Scheme 2023. Collection method: clinical testing. Allele origin: germline.
Comment: The p.Q362E variant (also known as c.1084C>G), located in coding exon 9 of the MITF gene, results from a C to G substitution at nucleotide position 1084. The glutamine at codon 362 is replaced by glutamic acid, an amino acid with highly similar properties. This amino acid position is conserved. In addition, this alteration is predicted to be tolerated by in silico analysis. Based on the available evidence, the clinical significance of this variant remains unclear.